The following is an entry in ClinVar:

NM_001379291.1(BRD4):c.2281C>T (p.Pro761Ser)

Gene: BRD4 (bromodomain containing 4; minus strand). Cytogenetic location: 19p13.12.
Variant type: single nucleotide variant.
Coding change: c.2281C>T on transcript NM_001379291.1 (MANE Select); coding-DNA position 2281, C replaced by T.
Protein change: p.Pro761Ser; replaces proline 761 with serine.
Molecular consequence: missense variant.
Genome position (GRCh38, 1-based): chr19:15,244,531, G>A on the plus strand (C>T on the coding strand, the complement: BRD4 is on the minus strand). VCF-style: chr19-15244531-G-A. GRCh37 (hg19) VCF-style: chr19-15355342-G-A.
Other names: c.2281C>T, p.Pro761Ser (NM_058243.3); short protein forms P761S.
Identifiers: ClinVar variation 2970789 (VCV002970789.3), dbSNP rs749297547, ClinGen allele CA9264989.

ClinVar aggregate classification (germline): Uncertain significance (1 of 4 stars; one submission).

Allele frequency attached by ClinVar (database versions not stated): TOPMed 0.00004; gnomAD 0.00006.

Submission:

Labcorp Genetics (formerly Invitae), Labcorp
Classification: Uncertain significance. Last evaluated: 2023-11-20. Review status: criteria provided, single submitter. Criteria: Invitae Variant Classification Sherloc (09022015). Collection method: clinical testing. Allele origin: germline.
Comment: This sequence change replaces proline, which is neutral and non-polar, with serine, which is neutral and polar, at codon 761 of the BRD4 protein (p.Pro761Ser). This variant is present in population databases (rs749297547, gnomAD 0.01%). This variant has not been reported in the literature in individuals affected with BRD4-related conditions. Algorithms developed to predict the effect of missense changes on protein structure and function output the following: SIFT: "Not Available"; PolyPhen-2: "Benign"; Align-GVGD: "Not Available". The serine amino acid residue is found in multiple mammalian species, which suggests that this missense change does not adversely affect protein function. In summary, the available evidence is currently insufficient to determine the role of this variant in disease. Therefore, it has been classified as a Variant of Uncertain Significance.